The following is an entry in ClinVar:

NM_016026.4(RDH11):c.535G>A (p.Ala179Thr)

Genes: GPHN (gephyrin; plus strand), RDH11 (retinol dehydrogenase 11; minus strand). Cytogenetic location: 14q24.1.
Variant type: single nucleotide variant.
Coding change: c.535G>A on transcript NM_016026.4 (MANE Select); coding-DNA position 535, G replaced by A.
Protein change: p.Ala179Thr; replaces alanine 179 with threonine.
Molecular consequence: missense variant. On other transcripts: intron variant (1).
Genome position (GRCh38, 1-based): chr14:67,690,341, C>T on the plus strand (G>A on the coding strand, the complement: RDH11 is on the minus strand). VCF-style: chr14-67690341-C-T. GRCh37 (hg19) VCF-style: chr14-68157058-C-T.
Other names: c.454+799G>A (NM_001252650.2); c.535G>A (NM_016026.3); short protein forms A179T.
Identifiers: ClinVar variation 1971164 (VCV001971164.4), dbSNP rs756459888, ClinGen allele CA390133598.
Genomic context (GRCh38, chr14:67,690,341, plus strand): 5'-CTGCATTGTAGAATTTCTCGCCCTGCAGGTTATGGAAGTGGATCCTTCCCAGGTGATGTG[C>T]GAGGGAAGACACATTTACTATCCTTGATGGGGCTGATTCCTTTAGTTTCTCTAGCAGCAG-3'
Protein context (NP_057110.3, residues 169-189): PSRIVNVSSL[Ala179Thr]HHLGRIHFHN

ClinVar aggregate classification (germline): Uncertain significance. Review status: criteria provided, multiple submitters, no conflicts (2 of 4 stars). 2 submissions from 2 submitters: Uncertain significance (2). Last evaluated 2025-08-26.

Allele frequency attached by ClinVar (database versions not stated): TOPMed below 0.00001.
gnomAD v4.1: 5 of 1,614,084 alleles (0.00031%); highest among the groups gnomAD compares: Middle Eastern, 0.017%; no homozygotes.

Submissions (2):

Ambry Genetics
Classification: Uncertain significance. Last evaluated: 2025-08-26. Review status: criteria provided, single submitter. Criteria: Ambry Variant Classification Scheme 2023. Collection method: clinical testing. Allele origin: germline.

Labcorp Genetics (formerly Invitae), Labcorp
Classification: Uncertain significance. Last evaluated: 2022-05-15. Review status: criteria provided, single submitter. Criteria: Invitae Variant Classification Sherloc (09022015). Collection method: clinical testing. Allele origin: germline.
Comment: This sequence change replaces alanine, which is neutral and non-polar, with threonine, which is neutral and polar, at codon 179 of the RDH11 protein (p.Ala179Thr). This variant is not present in population databases (gnomAD no frequency). This variant has not been reported in the literature in individuals affected with RDH11-related conditions. Algorithms developed to predict the effect of missense changes on protein structure and function are either unavailable or do not agree on the potential impact of this missense change (SIFT: "Tolerated"; PolyPhen-2: "Possibly Damaging"; Align-GVGD: "Class C0"). In summary, the available evidence is currently insufficient to determine the role of this variant in disease. Therefore, it has been classified as a Variant of Uncertain Significance.